The following is an entry in ClinVar:

NM_001330360.2(POLA1):c.2580G>C (p.Lys860Asn)

Gene: POLA1 (DNA polymerase alpha 1, catalytic subunit; plus strand). Cytogenetic location: Xp22.11.
Variant type: single nucleotide variant.
Coding change: c.2580G>C on transcript NM_001330360.2 (MANE Select); coding-DNA position 2580, G replaced by C.
Protein change: p.Lys860Asn; replaces lysine 860 with asparagine.
Molecular consequence: missense variant. On other transcripts: non-coding transcript variant (2).
Genome position (GRCh38, 1-based): chrX:24,745,431, G>C. VCF-style: chrX-24745431-G-C. GRCh37 (hg19) VCF-style: chrX-24763548-G-C.
Other names: c.2505G>C, p.Lys835Asn (NM_001378303.1); c.2562G>C, p.Lys854Asn (NM_016937.4); short protein forms K835N, K860N, K854N.
Identifiers: ClinVar variation 2121552 (VCV002121552.4), dbSNP rs2518848507, ClinGen allele CA412537667.

ClinVar aggregate classification (germline): Uncertain significance (1 of 4 stars; one submission).

Submission:

Labcorp Genetics (formerly Invitae), Labcorp
Classification: Uncertain significance. Last evaluated: 2022-04-04. Review status: criteria provided, single submitter. Criteria: Invitae Variant Classification Sherloc (09022015). Collection method: clinical testing. Allele origin: germline.
Comment: This sequence change replaces lysine, which is basic and polar, with asparagine, which is neutral and polar, at codon 854 of the POLA1 protein (p.Lys854Asn). This variant is not present in population databases (gnomAD no frequency). This variant has not been reported in the literature in individuals affected with POLA1-related conditions. Algorithms developed to predict the effect of missense changes on protein structure and function (SIFT, PolyPhen-2, Align-GVGD) all suggest that this variant is likely to be disruptive. In summary, the available evidence is currently insufficient to determine the role of this variant in disease. Therefore, it has been classified as a Variant of Uncertain Significance.